The following is an entry in ClinVar:

NM_017714.3(TASP1):c.146-4T>A

Gene: TASP1 (taspase 1; minus strand). Cytogenetic location: 20p12.1.
Variant type: single nucleotide variant.
Coding change: c.146-4T>A on transcript NM_017714.3 (MANE Select); 4 bases into the intron before coding-DNA position 146, T replaced by A.
Molecular consequence: intron variant.
Genome position (GRCh38, 1-based): chr20:13,625,256, A>T on the plus strand (T>A on the coding strand, the complement: TASP1 is on the minus strand). VCF-style: chr20-13625256-A-T. GRCh37 (hg19) VCF-style: chr20-13605903-A-T.
Other names: c.146-4T>A (NM_001323602.2); c.-236-4T>A (NM_001323604.2); c.-428-4T>A (NM_001323603.2).
Identifiers: ClinVar variation 3056504 (VCV003056504.2), dbSNP rs2070307, ClinGen allele CA9766826.
Genomic context (GRCh38, chr20:13,625,256, plus strand): 5'-CTCGTTTGCATACATGTTTATACTCCTTGGCTTTGGATTCAGAATGATAACCTGCACCTA[A>T]AGTAGAAAATAAAATCCAGTTAATTATTAAAATATCAAGAGACCTTGCTTATGTTATATA-3'

ClinVar aggregate classification (germline): Benign (0 of 4 stars; one submission).

Conditions:
TASP1-related disorder. Also called: TASP1-related condition.

Allele frequency attached by ClinVar (database versions not stated): ExAC 0.26647; ESP Exome Variant Server 0.36099; TOPMed 0.36504; 1000 Genomes Project 0.37001; 1000 Genomes Project 30x 0.37664.
gnomAD v4.1: 403,906 of 1,598,360 alleles (25%); highest among the groups gnomAD compares: African/African-American, 64%; 57,612 homozygotes.

Submission:

PreventionGenetics, part of Exact Sciences
Classification: Benign for TASP1-related condition. Last evaluated: 2019-10-29. Review status: no assertion criteria provided. Collection method: clinical testing. Allele origin: germline.
Comment: This variant is classified as benign based on ACMG/AMP sequence variant interpretation guidelines (Richards et al. 2015 PMID: 25741868, with internal and published modifications).